The following is an entry in ClinVar:

ClinVar aggregate classification (germline): Likely benign. Review status: criteria provided, multiple submitters, no conflicts (2 of 4 stars). 2 submissions from 2 submitters: Likely benign (2). Last evaluated 2025-02-21.

Conditions:
PIGT-related disorder.
Multiple congenital anomalies-hypotonia-seizures syndrome 3 (MCAHS3). Also called: GLYCOSYLPHOSPHATIDYLINOSITOL BIOSYNTHESIS DEFECT 7. Identifiers: Orphanet 369837, MedGen C3809356, MONDO:0014165, OMIM 615398.

Allele frequency attached by ClinVar (database versions not stated): TOPMed 0.00003; ExAC 0.00004; gnomAD 0.00004; gnomAD exomes 0.00004.

Submissions (2):

PreventionGenetics, part of Exact Sciences
Classification: Likely benign for PIGT-related condition. Last evaluated: 2025-02-21. Review status: criteria provided, single submitter. Criteria: ACMG Guidelines, 2015. Collection method: clinical testing. Allele origin: germline.
Comment: This variant is classified as likely benign based on ACMG/AMP sequence variant interpretation guidelines (Richards et al. 2015 PMID: 25741868, with internal and published modifications).

Labcorp Genetics (formerly Invitae), Labcorp
Classification: Likely benign for Multiple congenital anomalies-hypotonia-seizures syndrome 3. Last evaluated: 2024-09-04. Review status: criteria provided, single submitter. Criteria: Invitae Variant Classification Sherloc (09022015). Collection method: clinical testing. Allele origin: germline.

NM_015937.6(PIGT):c.1659C>T (p.Ile553=)

Gene: PIGT (phosphatidylinositol glycan anchor biosynthesis class T; plus strand). Cytogenetic location: 20q13.12.
Variant type: single nucleotide variant.
Coding change: c.1659C>T on transcript NM_015937.6 (MANE Select); coding-DNA position 1659, C replaced by T.
Protein change: p.Ile553=; no amino-acid change (isoleucine 553 retained).
Molecular consequence: synonymous variant. On other transcripts: non-coding transcript variant (5).
Genome position (GRCh38, 1-based): chr20:45,425,748, C>T. VCF-style: chr20-45425748-C-T. GRCh37 (hg19) VCF-style: chr20-44054388-C-T.
Other names: c.1659C>T (NM_015937.5); c.1491C>T, p.Ile497= (NM_001184728.3); c.1458C>T, p.Ile486= (NM_001184729.3); c.1353C>T, p.Ile451= (NM_001184730.3).
Identifiers: ClinVar variation 1618502 (VCV001618502.9), dbSNP rs776332148, ClinGen allele CA9878348.
Genomic context (GRCh38, chr20:45,425,748, plus strand): 5'-CACTGTGGTGGCCGTGTGCTATGGCTCCTTCTACAATCTCCTCACCCGAACCTTCCACAT[C>T]GAGGAGCCCCGCACAGGTGGCCTGGCCAAGCGGCTGGCCAACCTTATCCGGCGCGCCCGA-3'
Protein context (NP_057021.2, residues 543-563): FYNLLTRTFH[Ile553=]EEPRTGGLAK